The following is an entry in ClinVar:

ClinVar aggregate classification (germline): Benign/Likely benign. Review status: criteria provided, multiple submitters, no conflicts (2 of 4 stars). 3 submissions from 3 submitters: Benign (1); Likely benign (2). Last evaluated 2026-07-29.

Conditions:
WDR72-related disorder. Also called: WDR72-related condition.
Amelogenesis imperfecta hypomaturation type 2A3. Also called: Amelogenesis imperfecta, type IIA3. Identifiers: Orphanet 88661, MedGen C2750771, MONDO:0013181, OMIM 613211. Disease mechanism: loss of function.

Allele frequency attached by ClinVar (database versions not stated): gnomAD exomes 0.00037 and 0.00100; ExAC 0.00133; gnomAD 0.00415 and 0.00442; TOPMed 0.00423; 1000 Genomes Project 0.00439; ESP Exome Variant Server 0.00540; 1000 Genomes Project 30x 0.00562.
gnomAD v4.1: 1,185 of 1,612,648 alleles (0.073%); highest among the groups gnomAD compares: African/African-American, 1.5%; 9 homozygotes.

Submissions (3):

PreventionGenetics, part of Exact Sciences
Classification: Benign for WDR72-related condition. Last evaluated: 2026-07-29. Review status: criteria provided, single submitter. Criteria: ACMG Guidelines, 2015. Collection method: clinical testing. Allele origin: germline.
Comment: This variant is classified as benign based on ACMG/AMP sequence variant interpretation guidelines (Richards et al. 2015 PMID: 25741868, with internal and published modifications).

Mayo Clinic Laboratories, Mayo Clinic
Classification: Likely benign. Last evaluated: 2025-11-09. Review status: criteria provided, single submitter. Criteria: ACMG Guidelines, 2015. Collection method: clinical testing. Allele origin: germline. Observed: 2 variant alleles.
Comment: BS1, BP4, BP7

Illumina Laboratory Services, Illumina
Classification: Likely benign for Amelogenesis imperfecta hypomaturation type 2A3. Last evaluated: 2018-01-12. Review status: criteria provided, single submitter. Criteria: ICSL Variant Classification Criteria 13 December 2019. Collection method: clinical testing. Allele origin: germline.
Comment: This variant was observed in the ICSL laboratory as part of a predisposition screen in an ostensibly healthy population. It had not been previously curated by ICSL or reported in the Human Gene Mutation Database (HGMD: prior to June 1st, 2018), and was therefore a candidate for classification through an automated scoring system. Utilizing variant allele frequency, disease prevalence and penetrance estimates, and inheritance mode, an automated score was calculated to assess if this variant is too frequent to cause the disease. Based on the score and internal cut-off values, a variant classified as likely benign is not then subjected to further curation. The score for this variant resulted in a classification of likely benign for this disease.

NM_182758.4(WDR72):c.2598A>G (p.Lys866=)

Gene: WDR72 (WD repeat domain 72; minus strand). Cytogenetic location: 15q21.3.
Variant type: single nucleotide variant.
Coding change: c.2598A>G on transcript NM_182758.4 (MANE Select); coding-DNA position 2598, A replaced by G.
Protein change: p.Lys866=; no amino-acid change (lysine 866 retained).
Molecular consequence: synonymous variant. On other transcripts: non-coding transcript variant (1).
Genome position (GRCh38, 1-based): chr15:53,615,608, T>C on the plus strand (A>G on the coding strand, the complement: WDR72 is on the minus strand). VCF-style: chr15-53615608-T-C. GRCh37 (hg19) VCF-style: chr15-53907805-T-C.
Other names: p.Lys866=.
Identifiers: ClinVar variation 316587 (VCV000316587.7), dbSNP rs115484883, ClinGen allele CA7570835.